The following is an entry in ClinVar:

ClinVar aggregate classification (germline): Pathogenic (1 of 4 stars; one submission).

Conditions:
Duchenne muscular dystrophy (DMD). Also called: MUSCULAR DYSTROPHY, PSEUDOHYPERTROPHIC PROGRESSIVE, DUCHENNE TYPE; Duchenne Muscular Dystrophy (DMD). Identifiers: Orphanet 98896, MedGen C0013264, MONDO:0010679, OMIM 310200.

Submission:

Labcorp Genetics (formerly Invitae), Labcorp
Classification: Pathogenic for Duchenne muscular dystrophy. Last evaluated: 2016-09-26. Review status: criteria provided, single submitter. Criteria: Invitae Variant Classification Sherloc (09022015). Collection method: clinical testing. Allele origin: germline.
Comment: For these reasons, this variant has been classified as Pathogenic. Truncating variants in DMD are known to be pathogenic (PMID: 16770791). This variant has been identified in a patient with either Duchenne or Becker muscular dystrophy (PMID: 21969337). This sequence change creates a premature translational stop signal at codon 2737 (p.Gln2737*) of the DMD gene. It is expected to result in an absent or disrupted protein product.

Literature cited by the submitters: PubMed 16770791; PubMed 21969337.

NM_004006.3(DMD):c.8209C>T (p.Gln2737Ter)

Gene: DMD (dystrophin; minus strand). Cytogenetic location: Xp21.1.
Variant type: single nucleotide variant.
Coding change: c.8209C>T on transcript NM_004006.3 (MANE Select); coding-DNA position 8209, C replaced by T.
Protein change: p.Gln2737Ter; replaces glutamine 2737 with a stop codon.
Molecular consequence: nonsense.
Genome position (GRCh38, 1-based): chrX:31,627,681, G>A on the plus strand (C>T on the coding strand, the complement: DMD is on the minus strand). VCF-style: chrX-31627681-G-A. GRCh37 (hg19) VCF-style: chrX-31645798-G-A.
Other names: c.8185C>T, p.Gln2729Ter (NM_000109.4); c.8197C>T, p.Gln2733Ter (NM_004009.3); c.7840C>T, p.Gln2614Ter (NM_004010.3); c.4186C>T, p.Gln1396Ter (NM_004011.4); c.4177C>T, p.Gln1393Ter (NM_004012.4); c.829C>T, p.Gln277Ter (NM_004013.3, NM_004020.4, NM_004021.3 and 2 more transcripts); short protein forms Q2737*, Q2729*, Q1396*, Q2614*, Q2733*, Q277*, Q1393*.
Identifiers: ClinVar variation 409889 (VCV000409889.8), dbSNP rs1060502621, ClinGen allele CA16616487.